The following is an entry in ClinVar:

ClinVar aggregate classification (germline): Conflicting classifications of pathogenicity. Review status: criteria provided, conflicting classifications (1 of 4 stars). 3 submissions from 3 submitters: Uncertain significance (2); Likely benign (1). Last evaluated 2025-07-21.

Conditions:
Hereditary cancer-predisposing syndrome. Also called: Neoplastic Syndromes, Hereditary; Tumor predisposition; Hereditary Cancer Syndrome; Hereditary neoplastic syndrome. Identifiers: Orphanet 140162, MedGen C0027672, MeSH D009386, MONDO:0015356.
DICER1-related tumor predisposition. Also called: DICER1-related pleuropulmonary blastoma cancer predisposition syndrome; DICER1 syndrome. Identifiers: Orphanet 284343, MedGen C3839822, MONDO:0100216.

Allele frequency attached by ClinVar (database versions not stated): gnomAD exomes below 0.00001; gnomAD 0.00001.
gnomAD v4.1: 5 of 1,613,984 alleles (0.00031%); highest among the groups gnomAD compares: East Asian, 0.0045%; no homozygotes.

Submissions (3):

Labcorp Genetics (formerly Invitae), Labcorp
Classification: Uncertain significance for DICER1-related tumor predisposition. Last evaluated: 2025-07-21. Review status: criteria provided, single submitter. Criteria: Invitae Variant Classification Sherloc (09022015). Collection method: clinical testing. Allele origin: germline.
Comment: This sequence change replaces valine, which is neutral and non-polar, with isoleucine, which is neutral and non-polar, at codon 610 of the DICER1 protein (p.Val610Ile). This variant is present in population databases (no rsID available, gnomAD 0.06%). This variant has not been reported in the literature in individuals affected with DICER1-related conditions. ClinVar contains an entry for this variant (Variation ID: 543586). Invitae Evidence Modeling of protein sequence and biophysical properties (such as structural, functional, and spatial information, amino acid conservation, physicochemical variation, residue mobility, and thermodynamic stability) indicates that this missense variant is not expected to disrupt DICER1 protein function with a negative predictive value of 95%. In summary, the available evidence is currently insufficient to determine the role of this variant in disease. Therefore, it has been classified as a Variant of Uncertain Significance.

GeneDx
Classification: Uncertain significance. Last evaluated: 2023-12-15. Review status: criteria provided, single submitter. Criteria: GeneDx Variant Classification Process June 2021. Collection method: clinical testing. Allele origin: germline. Affected: yes.
Comment: Not observed at significant frequency in large population cohorts (gnomAD); In silico analysis supports that this missense variant does not alter protein structure/function; Has not been previously published as pathogenic or benign to our knowledge

Ambry Genetics
Classification: Likely benign for Hereditary cancer-predisposing syndrome. Last evaluated: 2023-09-14. Review status: criteria provided, single submitter. Criteria: Ambry Variant Classification Scheme 2023. Collection method: clinical testing. Allele origin: germline.

NM_177438.3(DICER1):c.1828G>A (p.Val610Ile)

Gene: DICER1 (dicer 1, ribonuclease III; minus strand). Cytogenetic location: 14q32.13.
Variant type: single nucleotide variant.
Coding change: c.1828G>A on transcript NM_177438.3 (MANE Select); coding-DNA position 1828, G replaced by A.
Protein change: p.Val610Ile; replaces valine 610 with isoleucine.
Molecular consequence: missense variant.
Genome position (GRCh38, 1-based): chr14:95,115,746, C>T on the plus strand (G>A on the coding strand, the complement: DICER1 is on the minus strand). VCF-style: chr14-95115746-C-T. GRCh37 (hg19) VCF-style: chr14-95582083-C-T.
Other names: c.1828G>A, p.Val610Ile (NM_001195573.1, NM_001271282.3, NM_001291628.2 and 1 more transcripts); short protein forms V610I.
Identifiers: ClinVar variation 543586 (VCV000543586.15), dbSNP rs1336108562, ClinGen allele CA390884042.